The following is an entry in ClinVar:

NM_001376.5(DYNC1H1):c.10535C>A (p.Ala3512Glu)

Gene: DYNC1H1 (dynein cytoplasmic 1 heavy chain 1; plus strand). Cytogenetic location: 14q32.31.
Variant type: single nucleotide variant.
Coding change: c.10535C>A on transcript NM_001376.5 (MANE Select); coding-DNA position 10535, C replaced by A.
Protein change: p.Ala3512Glu; replaces alanine 3512 with glutamic acid.
Molecular consequence: missense variant.
Genome position (GRCh38, 1-based): chr14:102,034,097, C>A. VCF-style: chr14-102034097-C-A. GRCh37 (hg19) VCF-style: chr14-102500434-C-A.
Other names: short protein forms A3512E.
Identifiers: ClinVar variation 4689403 (VCV004689403.1).

ClinVar aggregate classification (germline): Uncertain significance (1 of 4 stars; one submission).

Submission:

Women's Health and Genetics/Laboratory Corporation of America, LabCorp
Classification: Uncertain significance. Last evaluated: 2026-01-27. Review status: criteria provided, single submitter. Criteria: LabCorp Variant Classification Summary - May 2015. Collection method: clinical testing. Allele origin: germline.
Comment: Variant summary: DYNC1H1 c.10535C>A (p.Ala3512Glu) results in a non-conservative amino acid change in the encoded protein sequence. Algorithms developed to predict the effect of missense changes on protein structure and function all suggest that this variant is likely to be disruptive. The variant was absent in 251348 control chromosomes. The available data on variant occurrences in the general population are insufficient to allow any conclusion about variant significance. To our knowledge, no occurrence of c.10535C>A in individuals affected with DYNC1H1-related conditions and no experimental evidence demonstrating its impact on protein function have been reported. No submitters have cited clinical-significance assessments for this variant to ClinVar. Based on the evidence outlined above, the variant was classified as uncertain significance.